The following is an entry in ClinVar:

NM_001103.4(ACTN2):c.575G>A (p.Arg192Gln)

Gene: ACTN2 (actinin alpha 2; plus strand). Cytogenetic location: 1q43.
Variant type: single nucleotide variant.
Coding change: c.575G>A on transcript NM_001103.4 (MANE Select); coding-DNA position 575, G replaced by A.
Protein change: p.Arg192Gln; replaces arginine 192 with glutamine.
Molecular consequence: missense variant. On other transcripts: 5 prime UTR variant (1).
Genome position (GRCh38, 1-based): chr1:236,727,716, G>A. VCF-style: chr1-236727716-G-A. GRCh37 (hg19) VCF-style: chr1-236891016-G-A.
Other names: c.575G>A, p.Arg192Gln (NM_001278343.2); c.-247G>A (NM_001278344.2); short protein forms R192Q.
Identifiers: ClinVar variation 191592 (VCV000191592.16), dbSNP rs200316891, ClinGen allele CA237009.

ClinVar aggregate classification (germline): Conflicting classifications of pathogenicity. Review status: criteria provided, conflicting classifications (1 of 4 stars). 5 submissions from 5 submitters: Uncertain significance (4); Likely benign (1). Last evaluated 2026-05-14.

Conditions:
ACTN2-related disorder. Also called: ACTN2 related condition; ACTN2-related disorders.
Cardiovascular phenotype. Identifiers: MedGen CN230736.
Primary familial hypertrophic cardiomyopathy (HCM). Identifiers: Orphanet 99739, MedGen C0949658, MeSH D024741, MONDO:0024573. Inheritance: Various modes of inheritance.
Dilated cardiomyopathy 1AA (CMD1AA). Also called: Cardiomyopathy, dilated, 1AA, with or without LVNC; CARDIOMYOPATHY, DILATED, 1AA, WITH OR WITHOUT LEFT VENTRICULAR NONCOMPACTION; CARDIOMYOPATHY, FAMILIAL HYPERTROPHIC, 23, WITH OR WITHOUT LEFT VENTRICULAR NONCOMPACTION. Identifiers: Orphanet 154, MedGen C2677338, MONDO:0012808, OMIM 612158.

Allele frequency attached by ClinVar (database versions not stated): gnomAD 0.00001; TOPMed 0.00001; gnomAD exomes 0.00002 and 0.00004; ExAC 0.00005.
gnomAD v4.1: 27 of 1,613,990 alleles (0.0017%); highest among the groups gnomAD compares: African/African-American, 0.0027%; no homozygotes.

Submissions (5):

PreventionGenetics, part of Exact Sciences
Classification: Uncertain significance for ACTN2-related condition. Last evaluated: 2026-05-14. Review status: criteria provided, single submitter. Criteria: ACMG Guidelines, 2015. Collection method: clinical testing. Allele origin: germline.
Comment: The ACTN2 c.575G>A variant is predicted to result in the amino acid substitution p.Arg192Gln. To our knowledge, this variant has not been reported in the literature. This variant is reported in 0.039% of alleles in individuals of Ashkenazi Jewish descent in gnomAD, which may be too common to be a primary cause of disease. Although, we suspect that this variant may be benign, at this time, the clinical significance of this variant is uncertain due to the absence of conclusive functional and genetic evidence.

Labcorp Genetics (formerly Invitae), Labcorp
Classification: Likely benign for Primary familial hypertrophic cardiomyopathy; Dilated cardiomyopathy 1AA. Last evaluated: 2026-01-19. Review status: criteria provided, single submitter. Criteria: Invitae Variant Classification Sherloc (09022015). Collection method: clinical testing. Allele origin: germline.

Ambry Genetics
Classification: Uncertain significance for Cardiovascular phenotype. Last evaluated: 2024-04-11. Review status: criteria provided, single submitter. Criteria: Ambry Variant Classification Scheme 2023. Collection method: clinical testing. Allele origin: germline.
Comment: The p.R192Q variant (also known as c.575G>A), located in coding exon 6 of the ACTN2 gene, results from a G to A substitution at nucleotide position 575. The arginine at codon 192 is replaced by glutamine, an amino acid with highly similar properties. This alteration has been reported as a secondary cardiac variant in an exome cohort (Ng D et al. Circ Cardiovasc Genet, 2013 Aug;6:337-46). This amino acid position is highly conserved in available vertebrate species. In addition, this alteration is predicted to be deleterious by in silico analysis. Since supporting evidence is limited at this time, the clinical significance of this alteration remains unclear.

GeneDx
Classification: Uncertain significance. Last evaluated: 2023-08-18. Review status: criteria provided, single submitter. Criteria: GeneDx Variant Classification Process June 2021. Collection method: clinical testing. Allele origin: germline.
Comment: Has not been previously published as pathogenic or benign to our knowledge; In silico analysis supports that this missense variant has a deleterious effect on protein structure/function; This variant is associated with the following publications: (PMID: 23861362)

Biesecker Lab/Clinical Genomics Section, National Institutes of Health
Classification: Uncertain significance. Last evaluated: 2013-06-24. Review status: criteria provided, single submitter. Criteria: Ng et al. (Circ Cardiovasc Genet. 2013). Collection method: research. Allele origin: unknown. Observed: 1 variant allele. Study: ClinSeq.
Comment: The study set was not selected for affection status in relation to any cancer. Pathogenicity categories were based on literature curation. See Pubmed ID:23861362 for details.

Medical sequencing

Literature cited by the submitters: PubMed 23861362 (cited by Ambry Genetics).